The following is an entry in ClinVar:

ClinVar aggregate classification (germline): Uncertain significance (1 of 4 stars; one submission).

Allele frequency attached by ClinVar (database versions not stated): gnomAD 0.00001; gnomAD exomes 0.00001; TOPMed 0.00001.
gnomAD v4.1: 5 of 1,611,476 alleles (0.00031%); highest among the groups gnomAD compares: Non-Finnish European, 0.00042%; no homozygotes.

Submission:

Labcorp Genetics (formerly Invitae), Labcorp
Classification: Uncertain significance. Last evaluated: 2024-12-16. Review status: criteria provided, single submitter. Criteria: Invitae Variant Classification Sherloc (09022015). Collection method: clinical testing. Allele origin: germline.
Comment: This sequence change replaces cysteine, which is neutral and slightly polar, with tyrosine, which is neutral and polar, at codon 695 of the MME protein (p.Cys695Tyr). This variant is not present in population databases (gnomAD no frequency). This variant has not been reported in the literature in individuals affected with MME-related conditions. ClinVar contains an entry for this variant (Variation ID: 1431978). Invitae Evidence Modeling of protein sequence and biophysical properties (such as structural, functional, and spatial information, amino acid conservation, physicochemical variation, residue mobility, and thermodynamic stability) indicates that this missense variant is expected to disrupt MME protein function with a positive predictive value of 80%. In summary, the available evidence is currently insufficient to determine the role of this variant in disease. Therefore, it has been classified as a Variant of Uncertain Significance.

NM_007289.4(MME):c.2084G>A (p.Cys695Tyr)

Gene: MME (membrane metalloendopeptidase; plus strand). Cytogenetic location: 3q25.2.
Variant type: single nucleotide variant.
Coding change: c.2084G>A on transcript NM_007289.4 (MANE Select); coding-DNA position 2084, G replaced by A.
Protein change: p.Cys695Tyr; replaces cysteine 695 with tyrosine.
Molecular consequence: missense variant.
Genome position (GRCh38, 1-based): chr3:155,172,543, G>A. VCF-style: chr3-155172543-G-A. GRCh37 (hg19) VCF-style: chr3-154890332-G-A.
Other names: c.2084G>A, p.Cys695Tyr (NM_000902.5, NM_001354642.2, NM_001354643.1 and 2 more transcripts); short protein forms C695Y.
Identifiers: ClinVar variation 1431978 (VCV001431978.6), dbSNP rs1222292556, ClinGen allele CA355219076.